The following is an entry in ClinVar:

ClinVar aggregate classification (germline): Likely benign (1 of 4 stars; one submission).

Allele frequency attached by ClinVar (database versions not stated): ESP Exome Variant Server 0.00029; 1000 Genomes Project 30x 0.00047; gnomAD 0.00096 and 0.00098; TOPMed 0.00098; gnomAD exomes 0.00105 and 0.00208; ExAC 0.00721.
gnomAD v4.1: 1,838 of 980,696 alleles (0.19%); highest among the groups gnomAD compares: Non-Finnish European, 0.22%; 2 homozygotes.

Submission:

GeneDx
Classification: Likely benign. Last evaluated: 2018-01-23. Review status: criteria provided, single submitter. Criteria: GeneDx Variant Classification (06012015). Collection method: clinical testing. Allele origin: germline. Affected: yes.
Comment: This variant is considered likely benign or benign based on one or more of the following criteria: it is a conservative change, it occurs at a poorly conserved position in the protein, it is predicted to be benign by multiple in silico algorithms, and/or has population frequency not consistent with disease.

NM_005654.6(NR2F1):c.-33C>T

Genes: NR2F1 (nuclear receptor subfamily 2 group F member 1; plus strand), NR2F1-AS1 (NR2F1 regulatory antisense RNA 1; minus strand). Cytogenetic location: 5q15.
Variant type: single nucleotide variant.
Coding change: c.-33C>T on transcript NM_005654.6 (MANE Select); 33 bases upstream of the start codon, C replaced by T.
Molecular consequence: 5 prime UTR variant.
Genome position (GRCh38, 1-based): chr5:93,584,991, C>T. VCF-style: chr5-93584991-C-T. GRCh37 (hg19) VCF-style: chr5-92920697-C-T.
Identifiers: ClinVar variation 380104 (VCV000380104.1), dbSNP rs372818347, ClinGen allele CA3343100.